The following is an entry in ClinVar:

ClinVar aggregate classification (germline): Uncertain significance (1 of 4 stars; one submission).

Conditions:
Gingival disorder. Also called: Gingival disease. Identifiers: MedGen C0017563, MONDO:0002021.

Allele frequency attached by ClinVar (database versions not stated): ExAC 0.00001; gnomAD 0.00003; ESP Exome Variant Server 0.00008.
gnomAD v4.1: 7 of 1,614,162 alleles (0.00043%); highest among the groups gnomAD compares: African/African-American, 0.0013%; no homozygotes.

Submission:

Labcorp Genetics (formerly Invitae), Labcorp
Classification: Uncertain significance for Gingival disorder. Last evaluated: 2023-10-13. Review status: criteria provided, single submitter. Criteria: Invitae Variant Classification Sherloc (09022015). Collection method: clinical testing. Allele origin: germline.
Comment: This sequence change replaces asparagine, which is neutral and polar, with lysine, which is basic and polar, at codon 66 of the FPR1 protein (p.Asn66Lys). This variant is present in population databases (rs371282377, gnomAD 0.0009%). This variant has not been reported in the literature in individuals affected with FPR1-related conditions. ClinVar contains an entry for this variant (Variation ID: 660315). An algorithm developed to predict the effect of missense changes on protein structure and function (PolyPhen-2) suggests that this variant is likely to be disruptive. In summary, the available evidence is currently insufficient to determine the role of this variant in disease. Therefore, it has been classified as a Variant of Uncertain Significance.

NM_002029.4(FPR1):c.198C>A (p.Asn66Lys)

Gene: FPR1 (formyl peptide receptor 1; minus strand). Cytogenetic location: 19q13.41.
Variant type: single nucleotide variant.
Coding change: c.198C>A on transcript NM_002029.4 (MANE Select); coding-DNA position 198, C replaced by A.
Protein change: p.Asn66Lys; replaces asparagine 66 with lysine.
Molecular consequence: missense variant.
Genome position (GRCh38, 1-based): chr19:51,746,797, G>T on the plus strand (C>A on the coding strand, the complement: FPR1 is on the minus strand). VCF-style: chr19-51746797-G-T. GRCh37 (hg19) VCF-style: chr19-52250050-G-T.
Other names: c.198C>A, p.Asn66Lys (NM_001193306.2); short protein forms N66K.
Identifiers: ClinVar variation 660315 (VCV000660315.4), dbSNP rs371282377, ClinGen allele CA9616510.